The following is an entry in ClinVar:

NM_000548.5(TSC2):c.2665G>T (p.Ala889Ser)

Gene: TSC2 (TSC complex subunit 2; plus strand). Cytogenetic location: 16p13.3.
Variant type: single nucleotide variant.
Coding change: c.2665G>T on transcript NM_000548.5 (MANE Select); coding-DNA position 2665, G replaced by T.
Protein change: p.Ala889Ser; replaces alanine 889 with serine.
Molecular consequence: missense variant. On other transcripts: non-coding transcript variant (5).
Genome position (GRCh38, 1-based): chr16:2,076,093, G>T. VCF-style: chr16-2076093-G-T. GRCh37 (hg19) VCF-style: chr16-2126094-G-T.
Other names: c.2665G>T, p.Ala889Ser (NM_001077183.3, NM_001114382.3, NM_001363528.2 and 6 more transcripts); c.2554G>T, p.Ala852Ser (NM_001318827.2, NM_001406670.1, NM_001406678.1); c.2518G>T, p.Ala840Ser (NM_001318829.2, NM_001406675.1, NM_001406676.1 and 1 more transcripts); c.2065G>T, p.Ala689Ser (NM_001318831.2, NM_001406680.1, NM_001406682.1 and 6 more transcripts); c.2698G>T, p.Ala900Ser (NM_001318832.2); c.2755G>T, p.Ala919Ser (NM_001406667.1, NM_001406668.1); c.2653G>T, p.Ala885Ser (NM_001406671.1, NM_001406673.1); c.2608G>T, p.Ala870Ser (NM_001406677.1); and 3 more; short protein forms A355S, A441S, A689S, A840S, A889S, A735S, A870S, A900S.
Identifiers: ClinVar variation 4556741 (VCV004556741.1).

ClinVar aggregate classification (germline): Uncertain significance (1 of 4 stars; one submission).

Conditions:
Hereditary cancer-predisposing syndrome. Also called: Tumor predisposition; Hereditary Cancer Syndrome; Hereditary neoplastic syndrome; Neoplastic Syndromes, Hereditary. Identifiers: Orphanet 140162, MedGen C0027672, MeSH D009386, MONDO:0015356.

gnomAD v4.1: 1 of 1,613,956 alleles (0.000062%); highest among the groups gnomAD compares: Non-Finnish European, 0.000085%; no homozygotes.

Submission:

Ambry Genetics
Classification: Uncertain significance for Hereditary cancer-predisposing syndrome. Last evaluated: 2025-09-26. Review status: criteria provided, single submitter. Criteria: Ambry Variant Classification Scheme 2023. Collection method: clinical testing. Allele origin: germline.
Comment: The p.A889S variant (also known as c.2665G>T), located in coding exon 23 of the TSC2 gene, results from a G to T substitution at nucleotide position 2665. The alanine at codon 889 is replaced by serine, an amino acid with similar properties. Other variant(s) at the same codon, p.A889V (c.2666C>T), have been identified in individual(s) with features consistent with Tuberous Sclerosis Complex (Ambry internal data). This amino acid position is highly conserved in available vertebrate species. In addition, this alteration is predicted to be deleterious by in silico analysis. Based on the available evidence, the clinical significance of this variant remains unclear.